The following is an entry in ClinVar:

ClinVar aggregate classification (germline): Uncertain significance (1 of 4 stars; one submission).

Conditions:
Cardiovascular phenotype. Identifiers: MedGen CN230736.

gnomAD v4.1: 2 of 1,612,888 alleles (0.00012%); highest among the groups gnomAD compares: Non-Finnish European, 0.00017%; no homozygotes.

Submission:

Ambry Genetics
Classification: Uncertain significance for Cardiovascular phenotype. Last evaluated: 2019-05-18. Review status: criteria provided, single submitter. Criteria: Ambry Variant Classification Scheme 2023. Collection method: clinical testing. Allele origin: germline.
Comment: The p.G8146E variant (also known as c.24437G>A), located in coding exon 99 of the TTN gene, results from a G to A substitution at nucleotide position 24437. The glycine at codon 8146 is replaced by glutamic acid, an amino acid with similar properties. This amino acid position is not well conserved in available vertebrate species, and glutamic acid is the reference amino acid in other vertebrate species. In addition, this alteration is predicted to be tolerated by in silico analysis. Since supporting evidence is limited at this time, the clinical significance of this alteration remains unclear.

NM_001267550.2(TTN):c.51632G>A (p.Gly17211Glu)

Genes: TTN (titin; minus strand), TTN-AS1 (TTN antisense RNA 1; plus strand). Cytogenetic location: 2q31.2.
Variant type: single nucleotide variant.
Coding change: c.51632G>A on transcript NM_001267550.2 (MANE Select); coding-DNA position 51632, G replaced by A.
Protein change: p.Gly17211Glu; replaces glycine 17211 with glutamic acid.
Molecular consequence: missense variant.
Genome position (GRCh38, 1-based): chr2:178,609,791, C>T on the plus strand (G>A on the coding strand, the complement: TTN is on the minus strand). VCF-style: chr2-178609791-C-T. GRCh37 (hg19) VCF-style: chr2-179474518-C-T.
Other names: c.46709G>A, p.Gly15570Glu (NM_001256850.1); c.24437G>A, p.Gly8146Glu (NM_003319.4); c.43928G>A, p.Gly14643Glu (NM_133378.4); c.24812G>A, p.Gly8271Glu (NM_133432.3); c.25013G>A, p.Gly8338Glu (NM_133437.4); short protein forms G15570E, G17211E, G8146E, G8338E, G14643E, G8271E.
Identifiers: ClinVar variation 1791355 (VCV001791355.2), dbSNP rs1447802224, ClinGen allele CA349583683.